The following is an entry in ClinVar:

NM_006180.6(NTRK2):c.1288C>T (p.His430Tyr)

Gene: NTRK2 (neurotrophic receptor tyrosine kinase 2; plus strand). Cytogenetic location: 9q21.33.
Variant type: single nucleotide variant.
Coding change: c.1288C>T on transcript NM_006180.6 (MANE Select); coding-DNA position 1288, C replaced by T.
Protein change: p.His430Tyr; replaces histidine 430 with tyrosine.
Molecular consequence: missense variant.
Genome position (GRCh38, 1-based): chr9:84,745,065, C>T. VCF-style: chr9-84745065-C-T. GRCh37 (hg19) VCF-style: chr9-87359980-C-T.
Other names: c.1288C>T, p.His430Tyr (NM_001007097.3, NM_001018064.3, NM_001018065.2 and 15 more transcripts); c.1249C>T, p.His417Tyr (NM_001291937.2, NM_001369546.1); c.1252C>T, p.His418Tyr (NM_001369534.1); c.820C>T, p.His274Tyr (NM_001369535.1, NM_001369536.1, NM_001369550.1 and 2 more transcripts); short protein forms H274Y, H417Y, H418Y, H430Y.
Identifiers: ClinVar variation 1336177 (VCV001336177.38), dbSNP rs145968424, ClinGen allele CA5105693.

ClinVar aggregate classification (germline): Conflicting classifications of pathogenicity. Review status: criteria provided, conflicting classifications (1 of 4 stars). 5 submissions from 5 submitters: Uncertain significance (2); Benign (2); Likely benign (1). Last evaluated 2026-04-01.

Conditions:
NTRK2-related disorder. Also called: NTRK2-related condition.

Allele frequency attached by ClinVar (database versions not stated): TOPMed 0.00008; gnomAD 0.00010; ExAC 0.00011; gnomAD exomes 0.00013 and 0.00015; ESP Exome Variant Server 0.00023.
gnomAD v4.1: 235 of 1,612,518 alleles (0.015%); highest among the groups gnomAD compares: Non-Finnish European, 0.019%; no homozygotes.

Submissions (5):

CeGaT Center for Human Genetics Tuebingen
Classification: Likely benign. Last evaluated: 2026-04-01. Review status: criteria provided, single submitter. Criteria: CeGaT Center For Human Genetics Tuebingen Variant Classification Criteria Version 2. Collection method: clinical testing. Allele origin: germline. Affected: yes. Observed: 5 variant alleles.
Comment: NTRK2: BP4, BS2

PreventionGenetics, part of Exact Sciences
Classification: Uncertain significance for NTRK2-related condition. Last evaluated: 2026-02-11. Review status: criteria provided, single submitter. Criteria: ACMG Guidelines, 2015. Collection method: clinical testing. Allele origin: germline.
Comment: The NTRK2 c.1288C>T variant is predicted to result in the amino acid substitution p.His430Tyr. This variant was found to be associated with drug-resistant epilepsy (variant referred to as rs145968424 in Almoguera et al. 2019. PubMed ID: 31070779). This variant is reported in 0.027% of alleles in individuals of European (non-Finnish) descent in gnomAD, which is likely too frequent for a disease-causing variant. Although we suspect that this variant may be benign, at this time, the clinical significance of this variant is uncertain due to the absence of conclusive functional and genetic evidence.

Labcorp Genetics (formerly Invitae), Labcorp
Classification: Benign. Last evaluated: 2025-12-13. Review status: criteria provided, single submitter. Criteria: Invitae Variant Classification Sherloc (09022015). Collection method: clinical testing. Allele origin: germline.

Laboratory of Genetics, Children's Clinical University Hospital Latvia
Classification: Benign. Last evaluated: 2025-02-16. Review status: criteria provided, single submitter. Criteria: ACMG Guidelines, 2015. Collection method: clinical testing. Allele origin: germline. Affected: yes.

Genetic Services Laboratory, University of Chicago
Classification: Uncertain significance. Last evaluated: 2018-09-12. Review status: criteria provided, single submitter. Criteria: ACMG Guidelines, 2015. Collection method: clinical testing. Allele origin: germline. Affected: no.